The following is an entry in ClinVar:

NM_000136.3(FANCC):c.1650_1656del (p.Leu551fs)

Genes: AOPEP (aminopeptidase O (putative); plus strand), FANCC (FA complementation group C; minus strand). Cytogenetic location: 9q22.32.
Variant type: Deletion.
Coding change: c.1650_1656del on transcript NM_000136.3 (MANE Select); coding-DNA positions 1650 to 1656, 7 bases deleted (CCTTAAA; older notation c.1650_1656delCCTTAAA).
Protein change: p.Leu551fs; shifts the reading frame from leucine 551.
Molecular consequence: frameshift variant.
Genome position (GRCh38, 1-based): chr9:95,101,728-95,101,734, TTTAAGG deleted on the plus strand (CCTTAAA on the coding strand, the reverse complement: FANCC is on the minus strand). VCF-style (leftmost placement, unchanged base first): chr9-95101727-CTTTAAGG-C. GRCh37 (hg19) VCF-style: chr9-97864009-CTTTAAGG-C.
Other names: c.1650_1656del, p.Leu551fs (NM_001243743.2); short protein forms L551fs.
Identifiers: ClinVar variation 3662142 (VCV003662142.2).

ClinVar aggregate classification (germline): Pathogenic (1 of 4 stars; one submission).

Conditions:
Fanconi anemia (FA). Also called: Fanconi's anemia. Identifiers: Orphanet 84, MedGen C0015625, MeSH D005199, MONDO:0019391.

Submission:

Labcorp Genetics (formerly Invitae), Labcorp
Classification: Pathogenic for Fanconi anemia. Last evaluated: 2024-08-12. Review status: criteria provided, single submitter. Criteria: Invitae Variant Classification Sherloc (09022015). Collection method: clinical testing. Allele origin: germline.
Comment: This sequence change results in a frameshift in the FANCC gene (p.Leu551Serfs*29). While this is not anticipated to result in nonsense mediated decay, it is expected to disrupt the last 8 amino acid(s) of the FANCC protein and extend the protein by 20 additional amino acid residues. This variant is not present in population databases (gnomAD no frequency). This variant has not been reported in the literature in individuals affected with FANCC-related conditions. This variant disrupts a region of the FANCC protein in which other variant(s) (p.Leu554Pro) have been determined to be pathogenic (PMID: 8613549, 9242535, 9398857, 11050007). This suggests that this is a clinically significant region of the protein, and that variants that disrupt it are likely to be disease-causing. For these reasons, this variant has been classified as Pathogenic.

Literature cited by the submitters: PubMed 8613549; PubMed 9242535; PubMed 9398857; PubMed 11050007.